The following is an entry in ClinVar:

ClinVar aggregate classification (germline): Uncertain significance (1 of 4 stars; one submission).

gnomAD v4.1: 9 of 1,612,270 alleles (0.00056%); highest among the groups gnomAD compares: Non-Finnish European, 0.00076%; no homozygotes.

Submission:

Labcorp Genetics (formerly Invitae), Labcorp
Classification: Uncertain significance. Last evaluated: 2024-03-05. Review status: criteria provided, single submitter. Criteria: Invitae Variant Classification Sherloc (09022015). Collection method: clinical testing. Allele origin: germline.
Comment: This sequence change replaces aspartic acid, which is acidic and polar, with glutamic acid, which is acidic and polar, at codon 670 of the XYLT2 protein (p.Asp670Glu). This variant is not present in population databases (gnomAD no frequency). This variant has not been reported in the literature in individuals affected with XYLT2-related conditions. Advanced modeling of protein sequence and biophysical properties (such as structural, functional, and spatial information, amino acid conservation, physicochemical variation, residue mobility, and thermodynamic stability) performed at Invitae indicates that this missense variant is not expected to disrupt XYLT2 protein function with a negative predictive value of 80%. In summary, the available evidence is currently insufficient to determine the role of this variant in disease. Therefore, it has been classified as a Variant of Uncertain Significance.

NM_022167.4(XYLT2):c.2010C>A (p.Asp670Glu)

Gene: XYLT2 (xylosyltransferase 2; plus strand). Cytogenetic location: 17q21.33.
Variant type: single nucleotide variant.
Coding change: c.2010C>A on transcript NM_022167.4 (MANE Select); coding-DNA position 2010, C replaced by A.
Protein change: p.Asp670Glu; replaces aspartic acid 670 with glutamic acid.
Molecular consequence: missense variant.
Genome position (GRCh38, 1-based): chr17:50,358,275, C>A. VCF-style: chr17-50358275-C-A. GRCh37 (hg19) VCF-style: chr17-48435636-C-A.
Other names: short protein forms D670E.
Identifiers: ClinVar variation 3688535 (VCV003688535.2).